The following is an entry in ClinVar:

NM_001046.3(SLC12A2):c.287C>T (p.Ala96Val)

Genes: SLC12A2 (solute carrier family 12 member 2; plus strand), LOC129994526 (ATAC-STARR-seq lymphoblastoid silent region 16295; plus strand). Cytogenetic location: 5q23.3.
Variant type: single nucleotide variant.
Coding change: c.287C>T on transcript NM_001046.3 (MANE Select); coding-DNA position 287, C replaced by T.
Protein change: p.Ala96Val; replaces alanine 96 with valine.
Molecular consequence: missense variant. On other transcripts: non-coding transcript variant (1).
Genome position (GRCh38, 1-based): chr5:128,084,241, C>T. VCF-style: chr5-128084241-C-T. GRCh37 (hg19) VCF-style: chr5-127419933-C-T.
Other names: c.287C>T, p.Ala96Val (NM_001256461.2); short protein forms A96V.
Identifiers: ClinVar variation 3364658 (VCV003364658.1).
Genomic context (GRCh38, chr5:128,084,241, plus strand): 5'-CGAGCCAGAGCCGTTTCCAGGTGGACCTGGTTTCCGAGAACGCCGGGCGGGCCGCTGCTG[C>T]GGCGGCGGCGGCGGCGGCGGCAGCGGCGGCGGCTGGTGCTGGGGCGGGGGCCAAGCAGAC-3'
Protein context (NP_001037.1, residues 86-106): VSENAGRAAA[Ala96Val]AAAAAAAAAA

ClinVar aggregate classification (germline): Uncertain significance (1 of 4 stars; one submission).

gnomAD v4.1: 3 of 1,198,500 alleles (0.00025%); highest among the groups gnomAD compares: South Asian, 0.0033%; no homozygotes.

Submission:

GeneDx
Classification: Uncertain significance. Last evaluated: 2023-11-18. Review status: criteria provided, single submitter. Criteria: GeneDx Variant Classification Process June 2021. Collection method: clinical testing. Allele origin: germline. Affected: yes.
Comment: Not observed at significant frequency in large population cohorts (gnomAD); In silico analysis supports that this missense variant does not alter protein structure/function; Has not been previously published as pathogenic or benign to our knowledge